The following is an entry in ClinVar:

NM_152296.5(ATP1A3):c.904A>G (p.Ile302Val)

Gene: ATP1A3 (ATPase Na+/K+ transporting subunit alpha 3; minus strand). Cytogenetic location: 19q13.2.
Variant type: single nucleotide variant.
Coding change: c.904A>G on transcript NM_152296.5 (MANE Select); coding-DNA position 904, A replaced by G.
Protein change: p.Ile302Val; replaces isoleucine 302 with valine.
Molecular consequence: missense variant.
Genome position (GRCh38, 1-based): chr19:41,985,007, T>C on the plus strand (A>G on the coding strand, the complement: ATP1A3 is on the minus strand). VCF-style: chr19-41985007-T-C. GRCh37 (hg19) VCF-style: chr19-42489159-T-C.
Other names: c.937A>G, p.Ile313Val (NM_001256213.2); c.943A>G, p.Ile315Val (NM_001256214.2); short protein forms I313V, I315V, I302V.
Identifiers: ClinVar variation 864807 (VCV000864807.25), dbSNP rs782326264, ClinGen allele CA9467765.

ClinVar aggregate classification (germline): Uncertain significance. Review status: criteria provided, multiple submitters, no conflicts (2 of 4 stars). 3 submissions from 3 submitters: Uncertain significance (3). Last evaluated 2025-06-01.

Conditions:
Dystonia 12 (DYT12). Also called: DYT-ATP1A3; Rapid-Onset Dystonia-Parkinsonism (RDP). Identifiers: Orphanet 71517, MedGen C1868681, MONDO:0007496, OMIM 128235.

Allele frequency attached by ClinVar (database versions not stated): gnomAD exomes below 0.00001 and 0.00003; ExAC 0.00001; gnomAD 0.00002; TOPMed 0.00002.

Submissions (3):

CeGaT Center for Human Genetics Tuebingen
Classification: Uncertain significance. Last evaluated: 2025-06-01. Review status: criteria provided, single submitter. Criteria: CeGaT Center For Human Genetics Tuebingen Variant Classification Criteria Version 2. Collection method: clinical testing. Allele origin: germline. Affected: yes. Observed: 2 variant alleles.
Comment: ATP1A3: PP2

Labcorp Genetics (formerly Invitae), Labcorp
Classification: Uncertain significance for Dystonia 12. Last evaluated: 2025-03-03. Review status: criteria provided, single submitter. Criteria: Invitae Variant Classification Sherloc (09022015). Collection method: clinical testing. Allele origin: germline.
Comment: This sequence change replaces isoleucine, which is neutral and non-polar, with valine, which is neutral and non-polar, at codon 302 of the ATP1A3 protein (p.Ile302Val). This variant is present in population databases (rs782326264, gnomAD 0.0009%). This variant has not been reported in the literature in individuals affected with ATP1A3-related conditions. ClinVar contains an entry for this variant (Variation ID: 864807). Invitae Evidence Modeling of protein sequence and biophysical properties (such as structural, functional, and spatial information, amino acid conservation, physicochemical variation, residue mobility, and thermodynamic stability) has been performed for this missense variant. However, the output from this modeling did not meet the statistical confidence thresholds required to predict the impact of this variant on ATP1A3 protein function. In summary, the available evidence is currently insufficient to determine the role of this variant in disease. Therefore, it has been classified as a Variant of Uncertain Significance.

GeneDx
Classification: Uncertain significance. Last evaluated: 2020-11-19. Review status: criteria provided, single submitter. Criteria: GeneDx Variant Classification Process June 2021. Collection method: clinical testing. Allele origin: germline. Affected: yes.
Comment: Not observed at a significant frequency in large population cohorts (Lek et al., 2016); In silico analysis supports that this missense variant does not alter protein structure/function; Has not been previously published as pathogenic or benign to our knowledge